The following is an entry in ClinVar:

ClinVar aggregate classification (germline): Uncertain significance (1 of 4 stars; one submission).

Conditions:
Duchenne muscular dystrophy (DMD). Also called: MUSCULAR DYSTROPHY, PSEUDOHYPERTROPHIC PROGRESSIVE, DUCHENNE TYPE; Duchenne Muscular Dystrophy (DMD). Identifiers: Orphanet 98896, MedGen C0013264, MONDO:0010679, OMIM 310200.

Submission:

Labcorp Genetics (formerly Invitae), Labcorp
Classification: Uncertain significance for Duchenne muscular dystrophy. Last evaluated: 2024-08-31. Review status: criteria provided, single submitter. Criteria: Invitae Variant Classification Sherloc (09022015). Collection method: clinical testing. Allele origin: germline.
Comment: This sequence change replaces proline, which is neutral and non-polar, with leucine, which is neutral and non-polar, at codon 2877 of the DMD protein (p.Pro2877Leu). This variant is not present in population databases (gnomAD no frequency). This variant has not been reported in the literature in individuals affected with DMD-related conditions. Invitae Evidence Modeling of protein sequence and biophysical properties (such as structural, functional, and spatial information, amino acid conservation, physicochemical variation, residue mobility, and thermodynamic stability) indicates that this missense variant is not expected to disrupt DMD protein function with a negative predictive value of 95%. In summary, the available evidence is currently insufficient to determine the role of this variant in disease. Therefore, it has been classified as a Variant of Uncertain Significance.

NM_004006.3(DMD):c.8630C>T (p.Pro2877Leu)

Gene: DMD (dystrophin; minus strand). Cytogenetic location: Xp21.2.
Variant type: single nucleotide variant.
Coding change: c.8630C>T on transcript NM_004006.3 (MANE Select); coding-DNA position 8630, C replaced by T.
Protein change: p.Pro2877Leu; replaces proline 2877 with leucine.
Molecular consequence: missense variant.
Genome position (GRCh38, 1-based): chrX:31,479,021, G>A on the plus strand (C>T on the coding strand, the complement: DMD is on the minus strand). VCF-style: chrX-31479021-G-A. GRCh37 (hg19) VCF-style: chrX-31497138-G-A.
Other names: c.8606C>T, p.Pro2869Leu (NM_000109.4); c.8618C>T, p.Pro2873Leu (NM_004009.3); c.8261C>T, p.Pro2754Leu (NM_004010.3); c.4607C>T, p.Pro1536Leu (NM_004011.4); c.4598C>T, p.Pro1533Leu (NM_004012.4); c.1250C>T, p.Pro417Leu (NM_004013.3, NM_004020.4, NM_004021.3 and 2 more transcripts); c.443C>T, p.Pro148Leu (NM_004014.3); short protein forms P148L, P1536L, P2877L, P417L, P2869L, P2873L, P1533L, P2754L.
Identifiers: ClinVar variation 3681959 (VCV003681959.2).